The following is an entry in ClinVar:

NM_024598.4(USB1):c.595A>G (p.Thr199Ala)

Gene: USB1 (U6 snRNA biogenesis phosphodiesterase 1; plus strand). Cytogenetic location: 16q21.
Variant type: single nucleotide variant.
Coding change: c.595A>G on transcript NM_024598.4 (MANE Select); coding-DNA position 595, A replaced by G.
Protein change: p.Thr199Ala; replaces threonine 199 with alanine.
Molecular consequence: missense variant.
Genome position (GRCh38, 1-based): chr16:58,017,425, A>G. VCF-style: chr16-58017425-A-G. GRCh37 (hg19) VCF-style: chr16-58051329-A-G.
Other names: c.541A>G, p.Thr181Ala (NM_001195302.2); c.442A>G, p.Thr148Ala (NM_001330568.2); short protein forms T148A, T181A, T199A.
Identifiers: ClinVar variation 4196827 (VCV004196827.1).

ClinVar aggregate classification (germline): Uncertain significance (1 of 4 stars; one submission).

Conditions:
Inborn genetic diseases. Identifiers: MedGen C0950123, MeSH D030342.

gnomAD v4.1: 1 of 1,613,984 alleles (0.000062%); highest among the groups gnomAD compares: Non-Finnish European, 0.000085%; no homozygotes.

Submission:

Ambry Genetics
Classification: Uncertain significance for Inborn genetic diseases. Last evaluated: 2025-09-04. Review status: criteria provided, single submitter. Criteria: Ambry Variant Classification Scheme 2023. Collection method: clinical testing. Allele origin: germline.
Comment: The p.T199A variant (also known as c.595A>G), located in coding exon 5 of the USB1 gene, results from an A to G substitution at nucleotide position 595. The threonine at codon 199 is replaced by alanine, an amino acid with similar properties. This amino acid position is conserved. In addition, this alteration is predicted to be tolerated by in silico analysis. Based on the available evidence, the clinical significance of this variant remains unclear.